The following is an entry in ClinVar:

NM_000330.4(RS1):c.366G>A (p.Trp122Ter)

Genes: CDKL5 (cyclin dependent kinase like 5; plus strand), RS1 (retinoschisin 1; minus strand). Cytogenetic location: Xp22.13.
Variant type: single nucleotide variant.
Coding change: c.366G>A on transcript NM_000330.4 (MANE Select); coding-DNA position 366, G replaced by A.
Protein change: p.Trp122Ter; replaces tryptophan 122 with a stop codon.
Molecular consequence: nonsense. On other transcripts: intron variant (2).
Genome position (GRCh38, 1-based): chrX:18,644,586, C>T on the plus strand (G>A on the coding strand, the complement: RS1 is on the minus strand). VCF-style: chrX-18644586-C-T. GRCh37 (hg19) VCF-style: chrX-18662706-C-T.
Other names: NM_000330.4(RS1):c.366G>A; p.Trp122Ter; c.2714-1421C>T (NM_003159.3, NM_001037343.2); short protein forms W122*.
Identifiers: ClinVar variation 547067 (VCV000547067.46), dbSNP rs61752147, ClinGen allele CA412372230.
Genomic context (GRCh38, chrX:18,644,586, plus strand): 5'-ACAGCGCCCCTGGGTGAGGATCCCTGAAATCACTTTGATCTCCTTCAGATCTATCTGTAA[C>T]CACTGGCTACTGTCCTGGAACTTGGAGAGCCAGGCACACCTGCCGAGAACATACCGAGTC-3'

ClinVar aggregate classification (germline): Pathogenic. Review status: reviewed by expert panel (3 of 4 stars). 5 submissions from 5 submitters: Pathogenic (1). 4 of the submissions do not count toward it. Last evaluated 2026-09-26.

Conditions:
Juvenile retinoschisis (RS1). Also called: X-linked retinoschisis; X-Linked Juvenile Retinoschisis. Identifiers: Orphanet 792, MedGen C3714753, MONDO:0010725, OMIM 312700.
RS1-related disorder. Also called: RS1-related condition.

Submissions (5):

ClinGen X-linked Inherited Retinal Disease Variant Curation Expert Panel, ClinGen
Classification: Pathogenic for Juvenile retinoschisis. Last evaluated: 2026-09-26. Review status: reviewed by expert panel. Criteria: ClinGen X LinkedIRD ACMG Specifications RS1 V1.0.0. Collection method: curation. Allele origin: germline. Inheritance: X-linked inheritance.
Comment: The NM_000330.4(RS1): c.366G>A variant is a nonsense variant in amino acid 122, which results in a premature stop codon and initiates the nonsense-mediated decay pathway. This variant is absent from hemizygous individuals in gnomAD v4.1.0 (PM2_Supporting). This is a nonsense variant that introduces a premature stop codon between amino acids 1-223 that is predicted to either trigger nonsense-mediated decay or to disrupt a critical C-terminal region required for proper multimerization of RS1 (PVS1, PMID: 19849666).The variant has been reported to segregate with retinal dystrophy through at least 2 meioses in the same family- 2 affected brothers and their carrier mother genotyped (PP1; PMID: 33335587). At least one proband harboring this variant exhibits a phenotype of the appearance of schisis and reduced visual acuity before age 13 years, which together are specific for X-linked retinoschisis (PMID: 33335587, PP4). This variant has been reported in at least 2 apparently unrelated probands meeting the PS4 requirement of a male diagnosed with XLRS (PMIDs: 32531858, 37510321, PS4_Supporting). In summary, this variant is classified as pathogenic for X-linked retinoschisis based on the ClinGen X-linked Inherited Retinal Disease Expert Panel Specifications to the ACMG/AMP Variant Interpretation Guidelines for RS1 Version 1.0.0: PM2_supporting, PVS1, PP4, PS4_supporting, and PP1.

Blueprint Genetics
Classification: Pathogenic for RS1-related disorders. Last evaluated: 2024-11-04. Review status: criteria provided, single submitter. Criteria: ACMG Guidelines, 2015. Collection method: clinical testing. Allele origin: germline. Affected: yes. Observed: 3 variant alleles. Not counted in ClinVar's aggregate classification.

Labcorp Genetics (formerly Invitae), Labcorp
Classification: Pathogenic. Last evaluated: 2024-08-30. Review status: criteria provided, single submitter. Criteria: Invitae Variant Classification Sherloc (09022015). Collection method: clinical testing. Allele origin: germline. Not counted in ClinVar's aggregate classification.
Comment: This sequence change creates a premature translational stop signal (p.Trp122*) in the RS1 gene. It is expected to result in an absent or disrupted protein product. Loss-of-function variants in RS1 are known to be pathogenic (PMID: 9618178, 17172462). This variant is not present in population databases (gnomAD no frequency). This premature translational stop signal has been observed in individual(s) with retinoschisis (PMID: 34624300). ClinVar contains an entry for this variant (Variation ID: 547067). For these reasons, this variant has been classified as Pathogenic.

Molecular Genetics Laboratory, Institute for Ophthalmic Research
Classification: Pathogenic for Juvenile retinoschisis. Last evaluated: 2020-01-09. Review status: criteria provided, single submitter. Criteria: ACMG Guidelines, 2015. Collection method: research. Allele origin: germline. Affected: yes. Not counted in ClinVar's aggregate classification.

CeGaT Center for Human Genetics Tuebingen
Classification: Likely pathogenic. Last evaluated: 2017-11-01. Review status: criteria provided, single submitter. Criteria: CeGaT Center For Human Genetics Tuebingen Variant Classification Criteria Version 2. Collection method: clinical testing. Allele origin: germline. Affected: yes. Observed: 1 variant allele. Not counted in ClinVar's aggregate classification.

Literature cited by the submitters: PubMed 9618178 (cited by Labcorp Genetics (formerly Invitae), Labcorp); PubMed 17172462 (cited by Labcorp Genetics (formerly Invitae), Labcorp); PubMed 34624300 (cited by Labcorp Genetics (formerly Invitae), Labcorp).